The following is an entry in ClinVar:

ClinVar aggregate classification (germline): Uncertain significance (1 of 4 stars; one submission).

Conditions:
Inborn genetic diseases. Identifiers: MedGen C0950123, MeSH D030342.

gnomAD v4.1: 1 of 1,604,962 alleles (0.000062%); highest among the groups gnomAD compares: Admixed American, 0.0017%; no homozygotes.

Submission:

Ambry Genetics
Classification: Uncertain significance for Inborn genetic diseases. Last evaluated: 2026-06-24. Review status: criteria provided, single submitter. Criteria: Ambry Variant Classification Scheme 2023. Collection method: clinical testing. Allele origin: germline.
Comment: The p.E1515V variant (also known as c.4544A>T), located in coding exon 18 of the FANCM gene, results from an A to T substitution at nucleotide position 4544. The glutamic acid at codon 1515 is replaced by valine, an amino acid with dissimilar properties. This amino acid position is conserved. In addition, the in silico prediction for this alteration is inconclusive. Based on the available evidence, the clinical significance of this variant remains unclear.

NM_020937.4(FANCM):c.4544A>T (p.Glu1515Val)

Gene: FANCM (FA complementation group M; plus strand). Cytogenetic location: 14q21.2.
Variant type: single nucleotide variant.
Coding change: c.4544A>T on transcript NM_020937.4 (MANE Select); coding-DNA position 4544, A replaced by T.
Protein change: p.Glu1515Val; replaces glutamic acid 1515 with valine.
Molecular consequence: missense variant.
Genome position (GRCh38, 1-based): chr14:45,185,245, A>T. VCF-style: chr14-45185245-A-T. GRCh37 (hg19) VCF-style: chr14-45654448-A-T.
Other names: c.4466A>T, p.Glu1489Val (NM_001308133.2); short protein forms E1489V, E1515V.
Identifiers: ClinVar variation 4022892 (VCV004022892.2).
Genomic context (GRCh38, chr14:45,185,245, plus strand): 5'-TATCTTCATGTTTTCTAATTTGTCTTACTTAGCATGTAGCTAGGAAGTTTTTAGATGATG[A>T]AGCAGAACTTTCTGAAGAAGATGCAGAATATGTTTCATCAGATGAAAATGATGAGTCAGA-3'
Protein context (NP_065988.1, residues 1505-1525): KHVARKFLDD[Glu1515Val]AELSEEDAEY